The following is an entry in ClinVar:

ClinVar aggregate classification (germline): conflicting data from submitters (0 of 4 stars; one submission).

Submission:

ISCA site 1
Classification: conflicting data from submitters. Last evaluated: 2016-03-10. Review status: no assertion criteria provided. Collection method: clinical testing. Allele origin: unknown, maternal. Affected: yes. Observed: 2 variant alleles.
Comment: Uncertain significance(1), Likely benign (1)

Copy number variation identified through the course of routine clinical cytogenomic testing in postnatal populations, with clinical assertions as classified by the original submitter. For data from the original published study, Kaminsky, et al. 2011 (PubMed 21844811), please see nstd101.

GRCh37/hg19 9q34.3(chr9:140657896-140685432)x3

Genes: EHMT1 (euchromatic histone lysine methyltransferase 1; plus strand), LOC651337 (uncharacterized LOC651337; minus strand). Cytogenetic location: 9q34.3.
Variant type: copy number gain.
Change: copy number 3 (three copies instead of two) of chr9:140,657,896-140,685,432 (27.5 kb, GRCh37 coordinates, 1-based), cytogenetic band 9q34.3.
Identifiers: ClinVar variation 441685 (VCV000441685.2).